The following is an entry in ClinVar:

NM_003001.5(SDHC):c.448C>T (p.Gln150Ter)

Gene: SDHC (succinate dehydrogenase complex subunit C; plus strand). Cytogenetic location: 1q23.3.
Variant type: single nucleotide variant.
Coding change: c.448C>T on transcript NM_003001.5 (MANE Select); coding-DNA position 448, C replaced by T.
Protein change: p.Gln150Ter; replaces glutamine 150 with a stop codon.
Molecular consequence: nonsense. On other transcripts: missense variant (3), non-coding transcript variant (1).
Genome position (GRCh38, 1-based): chr1:161,362,371, C>T. VCF-style: chr1-161362371-C-T. GRCh37 (hg19) VCF-style: chr1-161332161-C-T.
Other names: c.284C>T, p.Pro95Leu (NM_001035511.3); c.346C>T, p.Gln116Ter (NM_001035512.3); c.289C>T, p.Gln97Ter (NM_001035513.3); c.182C>T, p.Pro61Leu (NM_001278172.3); c.568C>T, p.Gln190Ter (NM_001407115.1); c.391C>T, p.Gln131Ter (NM_001407116.1); c.385C>T, p.Gln129Ter (NM_001407117.1); c.340C>T, p.Gln114Ter (NM_001407118.1); and 2 more; short protein forms P61L, Q114*, Q116*, P95L, Q129*, Q131*, Q190*, P76L.
Identifiers: ClinVar variation 3438787 (VCV003438787.2).
Genomic context (GRCh38, chr1:161,362,371, plus strand): 5'-TTTTTGCTTTGTCCACAGATGTGGGACCTAGGAAAAGGCCTGAAGATTCCCCAGCTATAC[C>T]AGTCTGGAGTGGTTGTCCTGGTTCTTACTGTGTTGTCCTCTATGGGGCTGGCAGCCATGT-3'

ClinVar aggregate classification (germline): Pathogenic/Likely pathogenic. Review status: criteria provided, multiple submitters, no conflicts (2 of 4 stars). 2 submissions from 2 submitters: Pathogenic (1); Likely pathogenic (1). Last evaluated 2026-03-17.

Conditions:
Inherited phaeochromocytoma and paraganglioma excluding NF1.
Hereditary cancer-predisposing syndrome. Also called: Neoplastic Syndromes, Hereditary; Tumor predisposition; Hereditary Cancer Syndrome; Hereditary neoplastic syndrome. Identifiers: Orphanet 140162, MedGen C0027672, MeSH D009386, MONDO:0015356.

Submissions (2):

Cambridge Genomics Laboratory, East Genomic Laboratory Hub, NHS Genomic Medicine Service
Classification: Likely pathogenic for Inherited phaeochromocytoma and paraganglioma excluding NF1. Last evaluated: 2026-03-17. Review status: criteria provided, single submitter. Criteria: ACGS Best Practice Guidelines for Variant Classification in Rare Disease 2020. Collection method: clinical testing. Allele origin: germline. Affected: yes.
Comment: PVS1_Strong,PM2

Ambry Genetics
Classification: Pathogenic for Hereditary cancer-predisposing syndrome. Last evaluated: 2024-12-03. Review status: criteria provided, single submitter. Criteria: Ambry Variant Classification Scheme 2023. Collection method: clinical testing. Allele origin: germline.
Comment: The p.Q150* pathogenic mutation (also known as c.448C>T), located in coding exon 6 of the SDHC gene, results from a C to T substitution at nucleotide position 448. This changes the amino acid from a glutamine to a stop codon within coding exon 6. This alteration occurs at the 3' terminus of theSDHC gene, is not expected to trigger nonsense-mediated mRNA decay, and only impacts the last 11.8% of the protein. However, premature stop codons are typically deleterious in nature and the impacted region is critical for protein function and and a significant portion of the protein is affected (Ambry internal data). This variant is considered to be rare based on population cohorts in the Genome Aggregation Database (gnomAD). Based on the supporting evidence, this variant is interpreted as a disease-causing mutation.